The following is an entry in ClinVar:

ClinVar aggregate classification (germline): Uncertain significance. Review status: criteria provided, multiple submitters, no conflicts (2 of 4 stars). 3 submissions from 3 submitters: Uncertain significance (3). Last evaluated 2026-01-13.

Conditions:
Cardiovascular phenotype. Identifiers: MedGen CN230736.
Brugada syndrome. Also called: Sudden unexplained nocturnal death syndrome; Sudden unexpected nocturnal death syndrome; Sudden Unexplained Death Syndrome; Sudden Unexplained Nocturnal Death Syndrome (SUNDS). Identifiers: Orphanet 130, MedGen C1142166, MONDO:0015263.
SCN10A-related disorder. Also called: SCN10A-related condition.

Allele frequency attached by ClinVar (database versions not stated): gnomAD 0.00003; ExAC 0.00004.

Submissions (3):

PreventionGenetics, part of Exact Sciences
Classification: Uncertain significance for SCN10A-related condition. Last evaluated: 2026-01-13. Review status: criteria provided, single submitter. Criteria: ACMG Guidelines, 2015. Collection method: clinical testing. Allele origin: germline.
Comment: The SCN10A c.1820C>A variant is predicted to result in the amino acid substitution p.Ala607Asp. To our knowledge, this variant has not been reported in the literature. This variant is reported in 0.0062% of alleles in individuals of European (non-Finnish) descent in gnomAD. At this time, the clinical significance of this variant is uncertain due to the absence of conclusive functional and genetic evidence.

Ambry Genetics
Classification: Uncertain significance for Cardiovascular phenotype. Last evaluated: 2025-09-29. Review status: criteria provided, single submitter. Criteria: Ambry Variant Classification Scheme 2023. Collection method: clinical testing. Allele origin: germline.
Comment: Does not currently meet published gene-disease clinical validity criteria Based on insufficient or conflicting evidence, the clinical significance of this alteration remains unclear.

Labcorp Genetics (formerly Invitae), Labcorp
Classification: Uncertain significance for Brugada syndrome. Last evaluated: 2025-08-11. Review status: criteria provided, single submitter. Criteria: Invitae Variant Classification Sherloc (09022015). Collection method: clinical testing. Allele origin: germline.
Comment: This sequence change replaces alanine, which is neutral and non-polar, with aspartic acid, which is acidic and polar, at codon 607 of the SCN10A protein (p.Ala607Asp). This variant is present in population databases (rs762994113, gnomAD 0.007%). This variant has not been reported in the literature in individuals affected with SCN10A-related conditions. ClinVar contains an entry for this variant (Variation ID: 1780756). Invitae Evidence Modeling of protein sequence and biophysical properties (such as structural, functional, and spatial information, amino acid conservation, physicochemical variation, residue mobility, and thermodynamic stability) has been performed for this missense variant. However, the output from this modeling did not meet the statistical confidence thresholds required to predict the impact of this variant on SCN10A protein function. In summary, the available evidence is currently insufficient to determine the role of this variant in disease. Therefore, it has been classified as a Variant of Uncertain Significance.

Literature cited by the submitters: PubMed 28106320 (cited by Ambry Genetics).

NM_006514.4(SCN10A):c.1820C>A (p.Ala607Asp)

Gene: SCN10A (sodium voltage-gated channel alpha subunit 10; minus strand). Cytogenetic location: 3p22.2.
Variant type: single nucleotide variant.
Coding change: c.1820C>A on transcript NM_006514.4 (MANE Select); coding-DNA position 1820, C replaced by A.
Protein change: p.Ala607Asp; replaces alanine 607 with aspartic acid.
Molecular consequence: missense variant.
Genome position (GRCh38, 1-based): chr3:38,750,120, G>T on the plus strand (C>A on the coding strand, the complement: SCN10A is on the minus strand). VCF-style: chr3-38750120-G-T. GRCh37 (hg19) VCF-style: chr3-38791611-G-T.
Other names: c.1820C>A, p.Ala607Asp (NM_001293306.2); c.1526C>A, p.Ala509Asp (NM_001293307.2); c.1820C>A (NM_006514.3); short protein forms A607D, A509D.
Identifiers: ClinVar variation 1780756 (VCV001780756.9), dbSNP rs762994113, ClinGen allele CA2320739.